The following is an entry in ClinVar:

NM_020631.6(PLEKHG5):c.2269G>T (p.Glu757Ter)

Gene: PLEKHG5 (pleckstrin homology and RhoGEF domain containing G5; minus strand). Cytogenetic location: 1p36.31.
Variant type: single nucleotide variant.
Coding change: c.2269G>T on transcript NM_020631.6 (MANE Select); coding-DNA position 2269, G replaced by T.
Protein change: p.Glu757Ter; replaces glutamic acid 757 with a stop codon.
Molecular consequence: nonsense.
Genome position (GRCh38, 1-based): chr1:6,468,567, C>A on the plus strand (G>T on the coding strand, the complement: PLEKHG5 is on the minus strand). VCF-style: chr1-6468567-C-A. GRCh37 (hg19) VCF-style: chr1-6528627-C-A.
Other names: c.2269G>T, p.Glu757Ter (NM_198681.4, NM_001042664.2, NM_001042665.2 and 1 more transcripts); c.2380G>T, p.Glu794Ter (NM_001042663.3, NM_001265592.2); c.2476G>T, p.Glu826Ter (NM_001265593.2); short protein forms E794*, E757*, E826*.
Identifiers: ClinVar variation 1788740 (VCV001788740.10), dbSNP rs1199089543, ClinGen allele CA338117859.

ClinVar aggregate classification (germline): Pathogenic/Likely pathogenic. Review status: criteria provided, multiple submitters, no conflicts (2 of 4 stars). 4 submissions from 4 submitters: Pathogenic (3); Likely pathogenic (1). Last evaluated 2026-02-01.

Conditions:
Autosomal recessive PLEKHG5-related disorders.
Charcot-Marie-Tooth disease recessive intermediate C. Also called: CHARCOT-MARIE-TOOTH NEUROPATHY, RECESSIVE INTERMEDIATE C. Identifiers: Orphanet 369867, MedGen C3809309, MONDO:0014154, OMIM 615376.
Neuronopathy, distal hereditary motor, autosomal recessive 4. Also called: NEUROPATHY, DISTAL HEREDITARY MOTOR, AUTOSOMAL RECESSIVE 4; Autosomal recessive lower motor neuron disease with childhood onset. Identifiers: Orphanet 206580, MedGen C1970211, MONDO:0012608, OMIM 611067.
Inborn genetic diseases. Identifiers: MedGen C0950123, MeSH D030342.

Allele frequency attached by ClinVar (database versions not stated): gnomAD 0.00001; gnomAD exomes 0.00001; TOPMed 0.00001.
gnomAD v4.1: 19 of 1,612,844 alleles (0.0012%); highest among the groups gnomAD compares: Non-Finnish European, 0.0015%; no homozygotes.

Submissions (4):

CeGaT Center for Human Genetics Tuebingen
Classification: Pathogenic. Last evaluated: 2026-02-01. Review status: criteria provided, single submitter. Criteria: CeGaT Center For Human Genetics Tuebingen Variant Classification Criteria Version 2. Collection method: clinical testing. Allele origin: germline. Affected: yes. Observed: 1 variant allele.
Comment: PLEKHG5: PVS1, PM2

Variantyx, Inc.
Classification: Likely pathogenic for Autosomal recessive PLEKHG5-related disorders. Last evaluated: 2025-09-22. Review status: criteria provided, single submitter. Criteria: Variantyx Assertion Criteria 2022. Collection method: clinical testing. Allele origin: germline. Inheritance: Autosomal recessive inheritance.
Comment: This is a nonsense variant in the PLEKHG5 gene (OMIM: 611101). Pathogenic variants in this gene have been associated with autosomal recessive PLEKHG5-related disorders. This variant introduces a premature termination codon in exon 20 out of 21. It is expected to result in loss of function, which is a known disease mechanism for PLEKHG5 in this disorder (PMID: 23777631) (PVS1). This variant has a 0.0015% maximum allele frequency in non-founder control populations (PM2). Based on the current evidence, this variant is classified as likely pathogenic for autosomal recessive PLEKHG5-related disorders.

Labcorp Genetics (formerly Invitae), Labcorp
Classification: Pathogenic for Neuronopathy, distal hereditary motor, autosomal recessive 4; Charcot-Marie-Tooth disease recessive intermediate C. Last evaluated: 2023-06-09. Review status: criteria provided, single submitter. Criteria: Invitae Variant Classification Sherloc (09022015). Collection method: clinical testing. Allele origin: germline.
Comment: This sequence change creates a premature translational stop signal (p.Glu757*) in the PLEKHG5 gene. It is expected to result in an absent or disrupted protein product. Loss-of-function variants in PLEKHG5 are known to be pathogenic (PMID: 17564964, 23777631). This variant is present in population databases (no rsID available, gnomAD 0.0009%). This variant has not been reported in the literature in individuals affected with PLEKHG5-related conditions. ClinVar contains an entry for this variant (Variation ID: 1788740). For these reasons, this variant has been classified as Pathogenic.

Ambry Genetics
Classification: Pathogenic for Inborn genetic diseases. Last evaluated: 2022-09-26. Review status: criteria provided, single submitter. Criteria: Ambry Variant Classification Scheme 2023. Collection method: clinical testing. Allele origin: germline.
Comment: The p.E757* pathogenic mutation (also known as c.2269G>T), located in coding exon 19 of the PLEKHG5 gene, results from a G to T substitution at nucleotide position 2269. This changes the amino acid from a glutamic acid to a stop codon within coding exon 19. This variant is considered to be rare based on population cohorts in the Genome Aggregation Database (gnomAD). This alteration is expected to result in loss of function by premature protein truncation or nonsense-mediated mRNA decay. As such, this alteration is interpreted as a disease-causing mutation.

Literature cited by the submitters: PubMed 23777631 (cited by Variantyx, Inc. and Labcorp Genetics (formerly Invitae), Labcorp); PubMed 17564964 (cited by Labcorp Genetics (formerly Invitae), Labcorp).